The following is an entry in ClinVar:

ClinVar aggregate classification (germline): Uncertain significance (1 of 4 stars; one submission).

Allele frequency attached by ClinVar (database versions not stated): gnomAD exomes 0.00002; ExAC 0.00003; gnomAD 0.00003; TOPMed 0.00003; 1000 Genomes Project 30x 0.00016; 1000 Genomes Project 0.00020.

Submission:

Labcorp Genetics (formerly Invitae), Labcorp
Classification: Uncertain significance. Last evaluated: 2025-06-12. Review status: criteria provided, single submitter. Criteria: Invitae Variant Classification Sherloc (09022015). Collection method: clinical testing. Allele origin: germline.
Comment: This sequence change replaces valine, which is neutral and non-polar, with methionine, which is neutral and non-polar, at codon 43 of the FAT1 protein (p.Val43Met). This variant is present in population databases (rs560660262, gnomAD 0.006%). This variant has not been reported in the literature in individuals affected with FAT1-related conditions. ClinVar contains an entry for this variant (Variation ID: 2171964). An algorithm developed to predict the effect of missense changes on protein structure and function (PolyPhen-2) suggests that this variant is likely to be disruptive. In summary, the available evidence is currently insufficient to determine the role of this variant in disease. Therefore, it has been classified as a Variant of Uncertain Significance.

NM_005245.4(FAT1):c.127G>A (p.Val43Met)

Gene: FAT1 (FAT atypical cadherin 1; minus strand). Cytogenetic location: 4q35.2.
Variant type: single nucleotide variant.
Coding change: c.127G>A on transcript NM_005245.4 (MANE Select); coding-DNA position 127, G replaced by A.
Protein change: p.Val43Met; replaces valine 43 with methionine.
Molecular consequence: missense variant.
Genome position (GRCh38, 1-based): chr4:186,709,701, C>T on the plus strand (G>A on the coding strand, the complement: FAT1 is on the minus strand). VCF-style: chr4-186709701-C-T. GRCh37 (hg19) VCF-style: chr4-187630855-C-T.
Other names: short protein forms V43M.
Identifiers: ClinVar variation 2171964 (VCV002171964.4), dbSNP rs560660262, ClinGen allele CA3167718.
Genomic context (GRCh38, chr4:186,709,701, plus strand): 5'-TGTAAACACCCATCTTGACAGGATGCCCCACATAAGTCTTAGCTGCAGAGTTCTCCTGCA[C>T]GGTGACGTTGTACTCGAGGTGTGTAAACTGCAGAGGAGTCTGTTCAAGTCGTTGGCTGCC-3'
Protein context (NP_005236.2, residues 33-53): QFTHLEYNVT[Val43Met]QENSAAKTYV